The following is an entry in ClinVar:

ClinVar aggregate classification (germline): Uncertain significance (1 of 4 stars; one submission).

Submission:

Dasa
Classification: Uncertain significance. Last evaluated: 2026-04-17. Review status: criteria provided, single submitter. Criteria: DASA Assertion Criteria. Collection method: clinical testing. Allele origin: germline.
Comment: NM_080632.3(UPF3B):c.1147_1149del (p.Glu383del) is an in-frame deletion predicted to remove glutamic acid at protein position 383 without shifting the reading frame. This variant is absent from population databases. The currently available literature and clinical evidence are not sufficient to establish a definitive association between this variant and the reported condition. Therefore, this variant is classified as a variant of uncertain significance.

NM_080632.3(UPF3B):c.1147_1149del (p.Glu383del)

Gene: UPF3B (UPF3B regulator of nonsense mediated mRNA decay; minus strand). Cytogenetic location: Xq24.
Variant type: Deletion.
Coding change: c.1147_1149del on transcript NM_080632.3 (MANE Select); coding-DNA positions 1147 to 1149, 3 bases deleted (GAG; older notation c.1147_1149delGAG).
Protein change: p.Glu383del; deletes glutamic acid 383.
Molecular consequence: inframe deletion.
Genome position (GRCh38, 1-based): chrX:119,837,910-119,837,912, CTC deleted on the plus strand (GAG on the coding strand, the reverse complement: UPF3B is on the minus strand). VCF-style (leftmost placement, unchanged base first): chrX-119837909-TCTC-T. GRCh37 (hg19) VCF-style: chrX-118971872-TCTC-T.
Other names: c.1108_1110del, p.Glu370del (NM_023010.4); short protein forms E370del, E383del.
Identifiers: ClinVar variation 4884029 (VCV004884029.2).
Genomic context (GRCh38, chrX:119,837,909, plus strand): 5'-CTTTATCCCGAAGTGTGTCTTTCTCTTTTTTCATTTCTTCTTCTTTTCTCTTAAAAGTCT[TCTC>T]TTTCTCATAGCGCTCCTTCTGCCTACGGCGCTCTTCTTCTTGCCGCTTCAGCCTCTCTCT-3'